The following is an entry in ClinVar:

NM_002860.4(ALDH18A1):c.1445C>T (p.Ser482Phe)

Gene: ALDH18A1 (aldehyde dehydrogenase 18 family member A1; minus strand). Cytogenetic location: 10q24.1.
Variant type: single nucleotide variant.
Coding change: c.1445C>T on transcript NM_002860.4 (MANE Select); coding-DNA position 1445, C replaced by T.
Protein change: p.Ser482Phe; replaces serine 482 with phenylalanine.
Molecular consequence: missense variant.
Genome position (GRCh38, 1-based): chr10:95,621,053, G>A on the plus strand (C>T on the coding strand, the complement: ALDH18A1 is on the minus strand). VCF-style: chr10-95621053-G-A. GRCh37 (hg19) VCF-style: chr10-97380810-G-A.
Other names: c.1439C>T, p.Ser480Phe (NM_001017423.2, NM_001323415.2); c.1112C>T, p.Ser371Phe (NM_001323412.2, NM_001323416.2); c.1445C>T, p.Ser482Phe (NM_001323413.2, NM_001323414.2); c.1340C>T, p.Ser447Phe (NM_001323417.2); c.1106C>T, p.Ser369Phe (NM_001323418.2); c.809C>T, p.Ser270Phe (NM_001323419.2); short protein forms S270F, S369F, S371F, S447F, S480F, S482F.
Identifiers: ClinVar variation 3381697 (VCV003381697.1).

ClinVar aggregate classification (germline): Uncertain significance (1 of 4 stars; one submission).

gnomAD v4.1: 1 of 1,614,078 alleles (0.000062%); highest among the groups gnomAD compares: Non-Finnish European, 0.000085%; no homozygotes.

Submission:

GeneDx
Classification: Uncertain significance. Last evaluated: 2024-05-21. Review status: criteria provided, single submitter. Criteria: GeneDx Variant Classification Process June 2021. Collection method: clinical testing. Allele origin: germline. Affected: yes.
Comment: Not observed at significant frequency in large population cohorts (gnomAD); In silico analysis supports that this missense variant has a deleterious effect on protein structure/function; Has not been previously published as pathogenic or benign to our knowledge